The following is an entry in ClinVar:

NM_138694.4(PKHD1):c.208C>T (p.Pro70Ser)

Gene: PKHD1 (PKHD1 ciliary IPT domain containing fibrocystin/polyductin; minus strand). Cytogenetic location: 6p12.2.
Variant type: single nucleotide variant.
Coding change: c.208C>T on transcript NM_138694.4 (MANE Select); coding-DNA position 208, C replaced by T.
Protein change: p.Pro70Ser; replaces proline 70 with serine.
Molecular consequence: missense variant.
Genome position (GRCh38, 1-based): chr6:52,082,465, G>A on the plus strand (C>T on the coding strand, the complement: PKHD1 is on the minus strand). VCF-style: chr6-52082465-G-A. GRCh37 (hg19) VCF-style: chr6-51947263-G-A.
Other names: c.208C>T, p.Pro70Ser (NM_170724.3); short protein forms P70S.
Identifiers: ClinVar variation 219566 (VCV000219566.11), dbSNP rs781485593, ClinGen allele CA348582.
Genomic context (GRCh38, chr6:52,082,465, plus strand): 5'-TCACCACAGGCAAATCCAAGAAAACAGGAAAGACGTCACAGGGAACACTCCGCAGTGCGG[G>A]CACCACCATGTTCACGTTCACCAGGTGTATCTCCAATTGAGAGCCATTGTTGGGGTAAAG-3'
Protein context (NP_619639.3, residues 60-80): IHLVNVNMVV[Pro70Ser]ALRSVPCDVF

ClinVar aggregate classification (germline): Uncertain significance. Review status: criteria provided, single submitter (1 of 4 stars). 2 submissions from 2 submitters: Uncertain significance (1). 1 of the submissions does not count toward it. Last evaluated 2021-08-13.

Conditions:
Autosomal recessive polycystic kidney disease (ARPKD). Also called: AR polycystic kidney disease. Identifiers: Orphanet 731, Orphanet 8378, MedGen C0085548, MeSH D017044, MONDO:0009889.

gnomAD v4.1: 7 of 1,613,974 alleles (0.00043%); highest among the groups gnomAD compares: Admixed American, 0.01%; no homozygotes.

Submissions (2):

Labcorp Genetics (formerly Invitae), Labcorp
Classification: Uncertain significance for Autosomal recessive polycystic kidney disease. Last evaluated: 2021-08-13. Review status: criteria provided, single submitter. Criteria: Invitae Variant Classification Sherloc (09022015). Collection method: clinical testing. Allele origin: germline.
Comment: This sequence change replaces proline with serine at codon 70 of the PKHD1 protein (p.Pro70Ser). The proline residue is moderately conserved and there is a moderate physicochemical difference between proline and serine. This variant is not present in population databases (ExAC no frequency). This variant has not been reported in the literature in individuals affected with PKHD1-related conditions. ClinVar contains an entry for this variant (Variation ID: 219566). Advanced modeling of protein sequence and biophysical properties (such as structural, functional, and spatial information, amino acid conservation, physicochemical variation, residue mobility, and thermodynamic stability) performed at Invitae indicates that this missense variant is not expected to disrupt PKHD1 protein function. In summary, the available evidence is currently insufficient to determine the role of this variant in disease. Therefore, it has been classified as a Variant of Uncertain Significance.

Natera, Inc.
Classification: Uncertain significance for Autosomal recessive polycystic kidney disease. Last evaluated: 2018-08-04. Review status: no assertion criteria provided. Collection method: clinical testing. Allele origin: germline. Not counted in ClinVar's aggregate classification.